The following is an entry in ClinVar:

NM_173660.5(DOK7):c.522G>C (p.Arg174Ser)

Gene: DOK7 (docking protein 7; plus strand). Cytogenetic location: 4p16.3.
Variant type: single nucleotide variant.
Coding change: c.522G>C on transcript NM_173660.5 (MANE Select); coding-DNA position 522, G replaced by C.
Protein change: p.Arg174Ser; replaces arginine 174 with serine.
Molecular consequence: missense variant. On other transcripts: intron variant (1), splice donor variant (1).
Genome position (GRCh38, 1-based): chr4:3,476,532, G>C. VCF-style: chr4-3476532-G-C. GRCh37 (hg19) VCF-style: chr4-3478259-G-C.
Other names: c.522G>C, p.Arg174Ser (NM_001301071.2); c.101-9007G>C (NM_001363811.2); c.521+1G>C (NM_001164673.2); short protein forms R174S.
Identifiers: ClinVar variation 641729 (VCV000641729.8), dbSNP rs762376200, ClinGen allele CA2829021.

ClinVar aggregate classification (germline): Uncertain significance (1 of 4 stars; one submission).

Conditions:
Fetal akinesia deformation sequence 1 (FADS1). Also called: Fetal akinesia sequence; Pena-Shokeir syndrome type I. Identifiers: Orphanet 994, MedGen C1276035, MONDO:0100101, OMIM 208150, HP:0001989.
Congenital myasthenic syndrome 10. Also called: Myasthenia, limb-girdle, familial. Identifiers: Orphanet 590, MedGen C1850792, MONDO:0009690, OMIM 254300.

Allele frequency attached by ClinVar (database versions not stated): TOPMed below 0.00001; gnomAD exomes 0.00001 and 0.00003; ExAC 0.00007.
gnomAD v4.1: 14 of 1,613,930 alleles (0.00087%); highest among the groups gnomAD compares: Non-Finnish European, 0.0012%; no homozygotes.

Submission:

Labcorp Genetics (formerly Invitae), Labcorp
Classification: Uncertain significance for Congenital myasthenic syndrome 10; Fetal akinesia deformation sequence 1. Last evaluated: 2023-08-24. Review status: criteria provided, single submitter. Criteria: Invitae Variant Classification Sherloc (09022015). Collection method: clinical testing. Allele origin: germline.
Comment: This variant is present in population databases (rs762376200, gnomAD 0.007%). In summary, the available evidence is currently insufficient to determine the role of this variant in disease. Therefore, it has been classified as a Variant of Uncertain Significance. Algorithms developed to predict the effect of sequence changes on RNA splicing suggest that this variant may disrupt the consensus splice site. An algorithm developed to predict the effect of missense changes on protein structure and function (PolyPhen-2) suggests that this variant is likely to be disruptive. ClinVar contains an entry for this variant (Variation ID: 641729). This variant has not been reported in the literature in individuals affected with DOK7-related conditions. This sequence change replaces arginine, which is basic and polar, with serine, which is neutral and polar, at codon 174 of the DOK7 protein (p.Arg174Ser).